The following is an entry in ClinVar:

ClinVar aggregate classification (germline): Uncertain significance (1 of 4 stars; one submission).

Conditions:
Inborn genetic diseases. Identifiers: MedGen C0950123, MeSH D030342.

Submission:

Ambry Genetics
Classification: Uncertain significance for Inborn genetic diseases. Last evaluated: 2025-03-02. Review status: criteria provided, single submitter. Criteria: Ambry Variant Classification Scheme 2023. Collection method: clinical testing. Allele origin: germline.
Comment: The p.N1628D variant (also known as c.4882A>G), located in coding exon 20 of the FANCM gene, results from an A to G substitution at nucleotide position 4882. The asparagine at codon 1628 is replaced by aspartic acid, an amino acid with highly similar properties. This amino acid position is conserved. In addition, this alteration is predicted to be tolerated by in silico analysis. Based on the available evidence, the clinical significance of this variant remains unclear.

NM_020937.4(FANCM):c.4882A>G (p.Asn1628Asp)

Gene: FANCM (FA complementation group M; plus strand). Cytogenetic location: 14q21.2.
Variant type: single nucleotide variant.
Coding change: c.4882A>G on transcript NM_020937.4 (MANE Select); coding-DNA position 4882, A replaced by G.
Protein change: p.Asn1628Asp; replaces asparagine 1628 with aspartic acid.
Molecular consequence: missense variant.
Genome position (GRCh38, 1-based): chr14:45,188,904, A>G. VCF-style: chr14-45188904-A-G. GRCh37 (hg19) VCF-style: chr14-45658107-A-G.
Other names: c.4804A>G, p.Asn1602Asp (NM_001308133.2); short protein forms N1602D, N1628D.
Identifiers: ClinVar variation 3848782 (VCV003848782.1).
Genomic context (GRCh38, chr14:45,188,904, plus strand): 5'-GTTGATGAAGAGGAGTCTTGCAAAGGCCAATCAAGTGAAGAAGAAGTTTGTGTTGATTTT[A>G]ACTTAATAACTGATGATTGCTTTGCAAATAGTAAAAAGTATAAAACTCGACGTGCAGTAA-3'
Protein context (NP_065988.1, residues 1618-1638): SSEEEVCVDF[Asn1628Asp]LITDDCFANS